The following is an entry in ClinVar:

NM_014336.5(AIPL1):c.784+34G>A

Gene: AIPL1 (AIP like 1 HSP90 co-chaperone; minus strand). Cytogenetic location: 17p13.2.
Variant type: single nucleotide variant.
Coding change: c.784+34G>A on transcript NM_014336.5 (MANE Select); 34 bases into the intron after coding-DNA position 784, G replaced by A.
Molecular consequence: intron variant. On other transcripts: 3 prime UTR variant (1).
Genome position (GRCh38, 1-based): chr17:6,426,581, C>T on the plus strand (G>A on the coding strand, the complement: AIPL1 is on the minus strand). VCF-style: chr17-6426581-C-T. GRCh37 (hg19) VCF-style: chr17-6329901-C-T.
Other names: c.*5G>A (NM_001285403.4); c.604+34G>A (NM_001033055.3); c.718+34G>A (NM_001285400.3); c.748+34G>A (NM_001285399.3); c.595+34G>A (NM_001033054.3); c.712+34G>A (NM_001285401.3); c.667+34G>A (NM_001285402.2).
Identifiers: ClinVar variation 4988996 (VCV004988996.1).
Genomic context (GRCh38, chr17:6,426,581, plus strand): 5'-GGGTGGAAAGAAAAGTCCAGGAAGGCTATGGCAGGTGTCTCCGTGGCCCTGGGCTGGGCG[C>T]CCCCTCACTGTCCGCCCCTGCAGCCCCGCGCACCTGGGTGGTGCCGGAGAATATCACTGG-3'

ClinVar aggregate classification (germline): Likely benign (1 of 4 stars; one submission).

Conditions:
AIPL1-related disorder. Also called: AIPL1-related disorders; AIPL1-related condition. Identifiers: MedGen CN239169.

gnomAD v4.1: 2 of 1,607,186 alleles (0.00012%); highest among the groups gnomAD compares: Non-Finnish European, 0.00017%; no homozygotes.

Submission:

PreventionGenetics, part of Exact Sciences
Classification: Likely benign for AIPL1-related condition. Last evaluated: 2025-06-25. Review status: criteria provided, single submitter. Criteria: ACMG Guidelines, 2015. Collection method: clinical testing. Allele origin: germline.
Comment: This variant is classified as likely benign based on ACMG/AMP sequence variant interpretation guidelines (Richards et al. 2015 PMID: 25741868, with internal and published modifications).